The following is an entry in ClinVar:

NM_002029.4(FPR1):c.275C>T (p.Pro92Leu)

Gene: FPR1 (formyl peptide receptor 1; minus strand). Cytogenetic location: 19q13.41.
Variant type: single nucleotide variant.
Coding change: c.275C>T on transcript NM_002029.4 (MANE Select); coding-DNA position 275, C replaced by T.
Protein change: p.Pro92Leu; replaces proline 92 with leucine.
Molecular consequence: missense variant.
Genome position (GRCh38, 1-based): chr19:51,746,720, G>A on the plus strand (C>T on the coding strand, the complement: FPR1 is on the minus strand). VCF-style: chr19-51746720-G-A. GRCh37 (hg19) VCF-style: chr19-52249973-G-A.
Other names: c.275C>T, p.Pro92Leu (NM_001193306.2); short protein forms P92L.
Identifiers: ClinVar variation 1415782 (VCV001415782.6), dbSNP rs2122323856, ClinGen allele CA407119725.
Genomic context (GRCh38, chr19:51,746,720, plus strand): 5'-CTTCCGAACAAGTTGATGTCCACTATGGTAAAGACGAATTTGCACAGGAACCAGCCGAAA[G>A]GCCAATGTCCTCCCATGGCCTTCCTGACCATGAAGAATGGCAAAGTGGAGGTGAAACAGA-3'
Protein context (NP_002020.1, residues 82-102): MVRKAMGGHW[Pro92Leu]FGWFLCKFVF

ClinVar aggregate classification (germline): Uncertain significance (1 of 4 stars; one submission).

Conditions:
Gingival disorder. Also called: Gingival disease. Identifiers: MedGen C0017563, MONDO:0002021.

Allele frequency attached by ClinVar (database versions not stated): gnomAD exomes below 0.00001.
gnomAD v4.1: 4 of 1,614,152 alleles (0.00025%); highest among the groups gnomAD compares: Non-Finnish European, 0.00034%; no homozygotes.

Submission:

Labcorp Genetics (formerly Invitae), Labcorp
Classification: Uncertain significance for Gingival disorder. Last evaluated: 2024-10-16. Review status: criteria provided, single submitter. Criteria: Invitae Variant Classification Sherloc (09022015). Collection method: clinical testing. Allele origin: germline.
Comment: This sequence change replaces proline, which is neutral and non-polar, with leucine, which is neutral and non-polar, at codon 92 of the FPR1 protein (p.Pro92Leu). This variant is not present in population databases (gnomAD no frequency). This variant has not been reported in the literature in individuals affected with FPR1-related conditions. ClinVar contains an entry for this variant (Variation ID: 1415782). An algorithm developed to predict the effect of missense changes on protein structure and function (PolyPhen-2) suggests that this variant is likely to be disruptive. In summary, the available evidence is currently insufficient to determine the role of this variant in disease. Therefore, it has been classified as a Variant of Uncertain Significance.